The following is an entry in ClinVar:

ClinVar aggregate classification (germline): Uncertain significance (1 of 4 stars; one submission).

Submissions (2):

GeneDx
Classification: Uncertain significance. Last evaluated: 2026-10-15. Review status: criteria provided, single submitter. Criteria: GeneDx Variant Classification Process June 2021. Collection method: clinical testing. Allele origin: germline.
Comment: Not observed at significant frequency in large population cohorts (gnomAD); Has not been previously published as pathogenic or benign to our knowledge; In silico analysis suggests this variant may impact gene splicing. In the absence of RNA/functional studies, the actual effect of this sequence change is unknown.

Dr. Peter K. Rogan Lab, Western University
No classification provided (evidence only). Condition: Lung cancer. Review status: no classification provided. Collection method: in vitro. Allele origin: not applicable. Functional consequence: retained intron. Not counted in ClinVar's aggregate classification.

NM_014847.4(UBAP2L):c.2448A>G (p.Gln816=)

Gene: UBAP2L (ubiquitin associated protein 2 like; plus strand). Cytogenetic location: 1q21.3.
Variant type: single nucleotide variant.
Coding change: c.2448A>G on transcript NM_014847.4 (MANE Select); coding-DNA position 2448, A replaced by G.
Protein change: p.Gln816=; no amino-acid change (glutamine 816 retained).
Molecular consequence: synonymous variant.
Genome position (GRCh38, 1-based): chr1:154,258,982, A>G. VCF-style: chr1-154258982-A-G. GRCh37 (hg19) VCF-style: chr1-154231458-A-G.
Other names: NC_000001.10:g.154231458A>G; c.2448A>G, p.Gln816= (NM_001127320.3, NM_001375614.1, NM_001375615.1 and 14 more transcripts); c.2427A>G, p.Gln809= (NM_001287815.1); c.2481A>G, p.Gln827= (NM_001287816.1, NM_001330730.1, NM_001375612.1 and 2 more transcripts).
Identifiers: ClinVar variation 3367611 (VCV003367611.4).